The following is an entry in ClinVar:

ClinVar aggregate classification (germline): Uncertain significance. Review status: criteria provided, multiple submitters, no conflicts (2 of 4 stars). 2 submissions from 2 submitters: Uncertain significance (2). Last evaluated 2025-06-01.

Conditions:
ZNF469-related disorder. Also called: ZNF469-related condition.
Cardiovascular phenotype. Identifiers: MedGen CN230736.

Allele frequency attached by ClinVar (database versions not stated): TOPMed below 0.00001; gnomAD 0.00001; gnomAD exomes 0.00001.
gnomAD v4.1: 13 of 1,550,390 alleles (0.00084%); highest among the groups gnomAD compares: Non-Finnish European, 0.0011%; no homozygotes.

Submissions (2):

Ambry Genetics
Classification: Uncertain significance for Cardiovascular phenotype. Last evaluated: 2025-06-01. Review status: criteria provided, single submitter. Criteria: Ambry Variant Classification Scheme 2023. Collection method: clinical testing. Allele origin: germline.
Comment: The p.S1519N variant (also known as c.4556G>A), located in coding exon 2 of the ZNF469 gene, results from a G to A substitution at nucleotide position 4556. The serine at codon 1519 is replaced by asparagine, an amino acid with highly similar properties. This amino acid position is conserved. In addition, this alteration is predicted to be tolerated by in silico analysis. Based on the available evidence, the clinical significance of this variant remains unclear.

PreventionGenetics, part of Exact Sciences
Classification: Uncertain significance for ZNF469-related condition. Last evaluated: 2023-08-15. Review status: criteria provided, single submitter. Criteria: ACMG Guidelines, 2015. Collection method: clinical testing. Allele origin: germline.
Comment: The ZNF469 c.4556G>A variant is predicted to result in the amino acid substitution p.Ser1519Asn. To our knowledge, this variant has not been reported in the literature. This variant is reported in 0.0065% of alleles in individuals of European (Non-Finnish) descent in gnomAD. At this time, the clinical significance of this variant is uncertain due to the absence of conclusive functional and genetic evidence.

NM_001367624.2(ZNF469):c.4640G>A (p.Ser1547Asn)

Gene: ZNF469 (zinc finger protein 469; plus strand). Cytogenetic location: 16q24.2.
Variant type: single nucleotide variant.
Coding change: c.4640G>A on transcript NM_001367624.2 (MANE Select); coding-DNA position 4640, G replaced by A.
Protein change: p.Ser1547Asn; replaces serine 1547 with asparagine.
Molecular consequence: missense variant.
Genome position (GRCh38, 1-based): chr16:88,432,110, G>A. VCF-style: chr16-88432110-G-A. GRCh37 (hg19) VCF-style: chr16-88498518-G-A.
Other names: NM_001127464.2:c.4556G>A; NM_001127464.1:c.4556G>A; short protein forms S1547N.
Identifiers: ClinVar variation 2636991 (VCV002636991.2), dbSNP rs775367818, ClinGen allele CA286376381.